The following is an entry in ClinVar:

NM_203447.4(DOCK8):c.317C>G (p.Ser106Cys)

Genes: DOCK8 (dedicator of cytokinesis 8; plus strand), LOC126860552 (BRD4-independent group 4 enhancer GRCh37_chr9:285795-286994; plus strand). Cytogenetic location: 9p24.3.
Variant type: single nucleotide variant.
Coding change: c.317C>G on transcript NM_203447.4 (MANE Select); coding-DNA position 317, C replaced by G.
Protein change: p.Ser106Cys; replaces serine 106 with cysteine.
Molecular consequence: missense variant.
Genome position (GRCh38, 1-based): chr9:286,621, C>G. VCF-style: chr9-286621-C-G. GRCh37 (hg19) VCF-style: chr9-286621-C-G.
Other names: c.317C>G (NM_203447.3); c.113C>G, p.Ser38Cys (NM_001190458.2, NM_001193536.2); short protein forms S38C, S106C.
Identifiers: ClinVar variation 1037935 (VCV001037935.10), dbSNP rs896673386, ClinGen allele CA187775765.

ClinVar aggregate classification (germline): Uncertain significance. Review status: criteria provided, multiple submitters, no conflicts (2 of 4 stars). 2 submissions from 2 submitters: Uncertain significance (2). Last evaluated 2024-01-20.

Conditions:
Inborn genetic diseases. Identifiers: MedGen C0950123, MeSH D030342.
Combined immunodeficiency due to DOCK8 deficiency (HIES2). Also called: Hyper-IgE recurrent infection syndrome, autosomal recessive; HIES autosomal recessive; DOCK8 Deficiency; HYPER-IgE RECURRENT INFECTION SYNDROME 2, AUTOSOMAL RECESSIVE; HYPER-IgE SYNDROME 2, AUTOSOMAL RECESSIVE, WITH RECURRENT INFECTIONS. Identifiers: Orphanet 217390, MedGen C4722305, MONDO:0009478, OMIM 243700.

Allele frequency attached by ClinVar (database versions not stated): gnomAD exomes below 0.00001; gnomAD 0.00001; TOPMed 0.00002.
gnomAD v4.1: 6 of 1,613,752 alleles (0.00037%); highest among the groups gnomAD compares: African/African-American, 0.0027%; no homozygotes.

Submissions (2):

Labcorp Genetics (formerly Invitae), Labcorp
Classification: Uncertain significance for Combined immunodeficiency due to DOCK8 deficiency. Last evaluated: 2024-01-20. Review status: criteria provided, single submitter. Criteria: Invitae Variant Classification Sherloc (09022015). Collection method: clinical testing. Allele origin: germline.
Comment: This sequence change replaces serine, which is neutral and polar, with cysteine, which is neutral and slightly polar, at codon 106 of the DOCK8 protein (p.Ser106Cys). This variant is present in population databases (no rsID available, gnomAD 0.02%). This variant has not been reported in the literature in individuals affected with DOCK8-related conditions. ClinVar contains an entry for this variant (Variation ID: 1037935). Advanced modeling of protein sequence and biophysical properties (such as structural, functional, and spatial information, amino acid conservation, physicochemical variation, residue mobility, and thermodynamic stability) performed at Invitae indicates that this missense variant is not expected to disrupt DOCK8 protein function with a negative predictive value of 80%. In summary, the available evidence is currently insufficient to determine the role of this variant in disease. Therefore, it has been classified as a Variant of Uncertain Significance.

Ambry Genetics
Classification: Uncertain significance for Inborn genetic diseases. Last evaluated: 2023-12-26. Review status: criteria provided, single submitter. Criteria: Ambry Variant Classification Scheme 2023. Collection method: clinical testing. Allele origin: germline.